The following is an entry in ClinVar:

NM_003900.5(SQSTM1):c.290T>C (p.Ile97Thr)

Gene: SQSTM1 (sequestosome 1; plus strand). Cytogenetic location: 5q35.3.
Variant type: single nucleotide variant.
Coding change: c.290T>C on transcript NM_003900.5 (MANE Select); coding-DNA position 290, T replaced by C.
Protein change: p.Ile97Thr; replaces isoleucine 97 with threonine.
Molecular consequence: missense variant.
Genome position (GRCh38, 1-based): chr5:179,823,042, T>C. VCF-style: chr5-179823042-T-C. GRCh37 (hg19) VCF-style: chr5-179250042-T-C.
Other names: c.38T>C, p.Ile13Thr (NM_001142298.2, NM_001142299.2); short protein forms I13T, I97T.
Identifiers: ClinVar variation 3761162 (VCV003761162.2).

ClinVar aggregate classification (germline): Uncertain significance (1 of 4 stars; one submission).

Conditions:
Frontotemporal dementia and/or amyotrophic lateral sclerosis 1 (FTDALS1). Also called: Frontotemporal dementia with motor neuron disease 1; C9orf72 Frontotemporal Dementia and/or Amyotrophic Lateral Sclerosis. Identifiers: Orphanet 275872, MedGen C5779877, MONDO:0007105, OMIM 105550.
Paget disease of bone 2, early-onset (PDB2). Also called: Paget disease of bone 2. Identifiers: MedGen C4085251, MONDO:0011183, OMIM 602080.

gnomAD v4.1: 1 of 1,614,046 alleles (0.000062%); highest among the groups gnomAD compares: African/African-American, 0.0013%; no homozygotes.

Submission:

Labcorp Genetics (formerly Invitae), Labcorp
Classification: Uncertain significance for Paget disease of bone 2, early-onset; Frontotemporal dementia and/or amyotrophic lateral sclerosis 1. Last evaluated: 2024-11-24. Review status: criteria provided, single submitter. Criteria: Invitae Variant Classification Sherloc (09022015). Collection method: clinical testing. Allele origin: germline.
Comment: This sequence change replaces isoleucine, which is neutral and non-polar, with threonine, which is neutral and polar, at codon 97 of the SQSTM1 protein (p.Ile97Thr). This variant is not present in population databases (gnomAD no frequency). This variant has not been reported in the literature in individuals affected with SQSTM1-related conditions. Invitae Evidence Modeling of protein sequence and biophysical properties (such as structural, functional, and spatial information, amino acid conservation, physicochemical variation, residue mobility, and thermodynamic stability) indicates that this missense variant is expected to disrupt SQSTM1 protein function with a positive predictive value of 80%. In summary, the available evidence is currently insufficient to determine the role of this variant in disease. Therefore, it has been classified as a Variant of Uncertain Significance.